The following is an entry in ClinVar:

ClinVar aggregate classification (germline): Uncertain significance (1 of 4 stars; one submission).

Conditions:
Catecholaminergic polymorphic ventricular tachycardia 1. Also called: VENTRICULAR TACHYCARDIA, CATECHOLAMINERGIC POLYMORPHIC, 1, WITH OR WITHOUT ATRIAL DYSFUNCTION AND/OR DILATED CARDIOMYOPATHY; VENTRICULAR TACHYCARDIA, STRESS-INDUCED POLYMORPHIC 1; RYR2-Related Catecholaminergic Polymorphic Ventricular Tachycardia. Identifiers: Orphanet 3286, MedGen C1631597, MONDO:0011484, OMIM 604772.

Submission:

Labcorp Genetics (formerly Invitae), Labcorp
Classification: Uncertain significance for Catecholaminergic polymorphic ventricular tachycardia 1. Last evaluated: 2024-12-24. Review status: criteria provided, single submitter. Criteria: Invitae Variant Classification Sherloc (09022015). Collection method: clinical testing. Allele origin: germline.
Comment: This sequence change replaces serine, which is neutral and polar, with proline, which is neutral and non-polar, at codon 991 of the RYR2 protein (p.Ser991Pro). This variant is not present in population databases (gnomAD no frequency). This variant has not been reported in the literature in individuals affected with RYR2-related conditions. Invitae Evidence Modeling of protein sequence and biophysical properties (such as structural, functional, and spatial information, amino acid conservation, physicochemical variation, residue mobility, and thermodynamic stability) indicates that this missense variant is not expected to disrupt RYR2 protein function with a negative predictive value of 95%. In summary, the available evidence is currently insufficient to determine the role of this variant in disease. Therefore, it has been classified as a Variant of Uncertain Significance.

NM_001035.3(RYR2):c.2971T>C (p.Ser991Pro)

Gene: RYR2 (ryanodine receptor 2; plus strand). Cytogenetic location: 1q43.
Variant type: single nucleotide variant.
Coding change: c.2971T>C on transcript NM_001035.3 (MANE Select); coding-DNA position 2971, T replaced by C.
Protein change: p.Ser991Pro; replaces serine 991 with proline.
Molecular consequence: missense variant.
Genome position (GRCh38, 1-based): chr1:237,548,495, T>C. VCF-style: chr1-237548495-T-C. GRCh37 (hg19) VCF-style: chr1-237711795-T-C.
Other names: short protein forms S991P.
Identifiers: ClinVar variation 3672188 (VCV003672188.2).